The following is an entry in ClinVar:

NM_006914.4(RORB):c.94-1567A>T

Gene: RORB (RAR related orphan receptor B; plus strand). Cytogenetic location: 9q21.13.
Variant type: single nucleotide variant.
Coding change: c.94-1567A>T on transcript NM_006914.4 (MANE Select); 1567 bases into the intron before coding-DNA position 94, A replaced by T.
Molecular consequence: intron variant.
Genome position (GRCh38, 1-based): chr9:74,633,064, A>T. VCF-style: chr9-74633064-A-T. GRCh37 (hg19) VCF-style: chr9-77247980-A-T.
Other names: c.127-1567A>T (NM_001365023.1).
Identifiers: ClinVar variation 4891556 (VCV004891556.1).

ClinVar aggregate classification (germline): Uncertain significance (1 of 4 stars; one submission).

Conditions:
Epilepsy, idiopathic generalized, susceptibility to, 15 (EIG15). Identifiers: MedGen C5193050, MONDO:0032699, OMIM 618357.

Submission:

Clinical Genetics Laboratory, University Hospital Schleswig-Holstein
Classification: Uncertain significance for Epilepsy, idiopathic generalized, susceptibility to, 15. Last evaluated: 2025-12-04. Review status: criteria provided, single submitter. Criteria: ACMG Guidelines, 2015. Collection method: clinical testing. Allele origin: germline. Affected: yes. Observed: 1 heterozygote.
Comment: ACMG criteria applied: PM2, PP3